The following is an entry in ClinVar:

ClinVar aggregate classification (germline): Conflicting classifications of pathogenicity. Review status: criteria provided, conflicting classifications (1 of 4 stars). 4 submissions from 4 submitters: Uncertain significance (3); Likely benign (1). Last evaluated 2025-07-16.

Conditions:
Hereditary breast ovarian cancer syndrome. Also called: Hereditary breast and/or ovarian cancer syndrome; BRCA1- and BRCA2-Associated Hereditary Breast and Ovarian Cancer; Breast and ovarian cancer; Hereditary breast and ovarian cancer; Hereditary breast and ovarian cancer syndrome; Hereditary breast and ovarian cancer syndrome (HBOC). Identifiers: Orphanet 145, MedGen C0677776, MeSH D061325, MONDO:0003582. Disease mechanism: loss of function.
Hereditary cancer-predisposing syndrome. Also called: Hereditary neoplastic syndrome; Tumor predisposition; Hereditary Cancer Syndrome; Neoplastic Syndromes, Hereditary. Identifiers: Orphanet 140162, MedGen C0027672, MeSH D009386, MONDO:0015356.

Allele frequency attached by ClinVar (database versions not stated): gnomAD exomes below 0.00001.
gnomAD v4.1: 1 of 1,613,950 alleles (0.000062%); highest among the groups gnomAD compares: East Asian, 0.0022%; no homozygotes.

Submissions (4):

Labcorp Genetics (formerly Invitae), Labcorp
Classification: Uncertain significance for Hereditary breast ovarian cancer syndrome. Last evaluated: 2025-07-16. Review status: criteria provided, single submitter. Criteria: Invitae Variant Classification Sherloc (09022015). Collection method: clinical testing. Allele origin: germline.
Comment: This sequence change replaces serine, which is neutral and polar, with tyrosine, which is neutral and polar, at codon 1597 of the BRCA2 protein (p.Ser1597Tyr). This variant is not present in population databases (gnomAD no frequency). This missense change has been observed in individual(s) with a personal or family history of breast/ovarian cancer as well as healthy individuals (PMID: 18844490, 22366370). ClinVar contains an entry for this variant (Variation ID: 491283). Invitae Evidence Modeling of protein sequence and biophysical properties (such as structural, functional, and spatial information, amino acid conservation, physicochemical variation, residue mobility, and thermodynamic stability) indicates that this missense variant is not expected to disrupt BRCA2 protein function with a negative predictive value of 95%. In summary, the available evidence is currently insufficient to determine the role of this variant in disease. Therefore, it has been classified as a Variant of Uncertain Significance.

Color Diagnostics, LLC DBA Color Health
Classification: Uncertain significance for Hereditary cancer-predisposing syndrome. Last evaluated: 2023-06-07. Review status: criteria provided, single submitter. Criteria: ACMG Guidelines, 2015. Collection method: clinical testing. Allele origin: germline.
Comment: This missense variant replaces serine with tyrosine at codon 1597 of the BRCA2 protein. Computational prediction suggests that this variant may not impact protein structure and function (internally defined REVEL score threshold <= 0.5, PMID: 27666373). To our knowledge, functional studies have not been reported for this variant. This variant has been reported in individuals affected with breast or ovarian cancer (PMID: 22366370) and colorectal cancer (PMID: 28591715). This variant has not been identified in the general population by the Genome Aggregation Database (gnomAD) but has been reported in control individuals (PMID: 18844490). The available evidence is insufficient to determine the role of this variant in disease conclusively. Therefore, this variant is classified as a Variant of Uncertain Significance.

University of Washington Department of Laboratory Medicine, University of Washington
Classification: Likely benign for Hereditary cancer-predisposing syndrome. Last evaluated: 2023-03-23. Review status: criteria provided, single submitter. Criteria: Dines et al. (Genet Med. 2020). Collection method: curation. Allele origin: germline.
Comment: Missense variant in a coldspot region where missense variants are very unlikely to be pathogenic (PMID:31911673).

BRCA2 exon 11 coldspot. Reclassification based on statistical prior probability.

Ambry Genetics
Classification: Uncertain significance for Hereditary cancer-predisposing syndrome. Last evaluated: 2018-08-04. Review status: criteria provided, single submitter. Criteria: Ambry Variant Classification Scheme 2023. Collection method: clinical testing. Allele origin: germline.

Literature cited by the submitters: PubMed 18844490 (cited by Labcorp Genetics (formerly Invitae), Labcorp and Color Diagnostics, LLC DBA Color Health); PubMed 22366370 (cited by Labcorp Genetics (formerly Invitae), Labcorp and Color Diagnostics, LLC DBA Color Health); PubMed 28591715 (cited by Color Diagnostics, LLC DBA Color Health).

NM_000059.4(BRCA2):c.4790C>A (p.Ser1597Tyr)

Gene: BRCA2 (BRCA2 DNA repair associated; plus strand). Cytogenetic location: 13q13.1.
Variant type: single nucleotide variant.
Coding change: c.4790C>A on transcript NM_000059.4 (MANE Select); coding-DNA position 4790, C replaced by A.
Protein change: p.Ser1597Tyr; replaces serine 1597 with tyrosine.
Molecular consequence: missense variant.
Genome position (GRCh38, 1-based): chr13:32,339,145, C>A. VCF-style: chr13-32339145-C-A. GRCh37 (hg19) VCF-style: chr13-32913282-C-A.
Other names: short protein forms S1597Y.
Identifiers: ClinVar variation 491283 (VCV000491283.17), dbSNP rs876660146, ClinGen allele CA387783236.